The following is an entry in ClinVar:

NM_004618.5(TOP3A):c.1885G>A (p.Glu629Lys)

Gene: TOP3A (DNA topoisomerase III alpha; minus strand). Cytogenetic location: 17p11.2.
Variant type: single nucleotide variant.
Coding change: c.1885G>A on transcript NM_004618.5 (MANE Select); coding-DNA position 1885, G replaced by A.
Protein change: p.Glu629Lys; replaces glutamic acid 629 with lysine.
Molecular consequence: missense variant.
Genome position (GRCh38, 1-based): chr17:18,282,834, C>T on the plus strand (G>A on the coding strand, the complement: TOP3A is on the minus strand). VCF-style: chr17-18282834-C-T. GRCh37 (hg19) VCF-style: chr17-18186148-C-T.
Other names: c.1885G>A (NM_004618.4); c.1600G>A, p.Glu534Lys (NM_001320759.2); short protein forms E534K, E629K.
Identifiers: ClinVar variation 1601492 (VCV001601492.36), dbSNP rs139844084, ClinGen allele CA8429752.

ClinVar aggregate classification (germline): Benign/Likely benign. Review status: criteria provided, multiple submitters, no conflicts (2 of 4 stars). 5 submissions from 5 submitters: Benign (2); Likely benign (2). 1 of the submissions does not count toward it. Last evaluated 2026-02-01.

Conditions:
TOP3A-related disorder. Also called: TOP3A-related condition; TOP3A-related disorders.

Allele frequency attached by ClinVar (database versions not stated): 1000 Genomes Project 30x 0.00141; 1000 Genomes Project 0.00160; gnomAD 0.00217 and 0.00219; ExAC 0.00239; TOPMed 0.00244; gnomAD exomes 0.00255 and 0.00259; ESP Exome Variant Server 0.00308.
gnomAD v4.1: 4,169 of 1,614,070 alleles (0.26%); highest among the groups gnomAD compares: Middle Eastern, 0.45%; 15 homozygotes.

Submissions (5):

CeGaT Center for Human Genetics Tuebingen
Classification: Likely benign. Last evaluated: 2026-02-01. Review status: criteria provided, single submitter. Criteria: CeGaT Center For Human Genetics Tuebingen Variant Classification Criteria Version 2. Collection method: clinical testing. Allele origin: germline. Affected: yes. Observed: 5 variant alleles.
Comment: TOP3A: BP4, BS2

Labcorp Genetics (formerly Invitae), Labcorp
Classification: Benign. Last evaluated: 2026-01-28. Review status: criteria provided, single submitter. Criteria: Invitae Variant Classification Sherloc (09022015). Collection method: clinical testing. Allele origin: germline.

Blueprint Genetics
Classification: Likely benign. Last evaluated: 2024-11-22. Review status: criteria provided, single submitter. Criteria: ACMG Guidelines, 2015. Collection method: clinical testing. Allele origin: germline.

Breakthrough Genomics
Classification: Benign. Review status: criteria provided, single submitter. Criteria: ACMG Guidelines, 2015. Collection method: not provided. Allele origin: germline. Inheritance: Autosomal recessive inheritance. Affected: yes.

PreventionGenetics, part of Exact Sciences
Classification: Benign for TOP3A-related condition. Last evaluated: 2021-04-12. Review status: no assertion criteria provided. Collection method: clinical testing. Allele origin: germline. Not counted in ClinVar's aggregate classification.
Comment: This variant is classified as benign based on ACMG/AMP sequence variant interpretation guidelines (Richards et al. 2015 PMID: 25741868, with internal and published modifications).